The following is an entry in ClinVar:

NM_006618.5(KDM5B):c.921G>C (p.Val307=)

Gene: KDM5B (lysine demethylase 5B; minus strand). Cytogenetic location: 1q32.1.
Variant type: single nucleotide variant.
Coding change: c.921G>C on transcript NM_006618.5 (MANE Select); coding-DNA position 921, G replaced by C.
Protein change: p.Val307=; no amino-acid change (valine 307 retained).
Molecular consequence: synonymous variant.
Genome position (GRCh38, 1-based): chr1:202,760,571, C>G on the plus strand (G>C on the coding strand, the complement: KDM5B is on the minus strand). VCF-style: chr1-202760571-C-G. GRCh37 (hg19) VCF-style: chr1-202729699-C-G.
Other names: c.1029G>C, p.Val343= (NM_001314042.2); c.786G>C, p.Val262= (NM_001347591.2); c.906G>C, p.Val302= (NM_001399817.1).
Identifiers: ClinVar variation 3032252 (VCV003032252.2), dbSNP rs2527565593, ClinGen allele CA422591811.

ClinVar aggregate classification (germline): Likely benign (0 of 4 stars; one submission).

Conditions:
KDM5B-related disorder. Also called: KDM5B-related condition.

Submission:

PreventionGenetics, part of Exact Sciences
Classification: Likely benign for KDM5B-related condition. Last evaluated: 2022-04-06. Review status: no assertion criteria provided. Collection method: clinical testing. Allele origin: germline.
Comment: This variant is classified as likely benign based on ACMG/AMP sequence variant interpretation guidelines (Richards et al. 2015 PMID: 25741868, with internal and published modifications).